The following is an entry in ClinVar:

NM_001145308.5(LRTOMT):c.382GAG[1] (p.Glu129del)

Genes: ANAPC15 (anaphase promoting complex subunit 15; minus strand), LRTOMT (leucine rich transmembrane and O-methyltransferase domain containing; plus strand), TOMT (transmembrane O-methyltransferase; plus strand). Cytogenetic location: 11q13.4.
Variant type: Microsatellite.
Coding change: c.382GAG[1] on transcript NM_001145308.5; one copy of the 3-base unit GAG starting at c.382; the reference has two copies in a row; one copy, 3 bases deleted; also written c.385_387del.
Protein change: p.Glu129del; deletes glutamic acid 129.
Molecular consequence: inframe deletion. On other transcripts: inframe indel (1), 3 prime UTR variant (3), non-coding transcript variant (1), intron variant (7).
Genome position (GRCh38, 1-based): chr11:72,107,949-72,107,951, GAG deleted; deleting any 3 consecutive bases within chr11:72,107,945-72,107,951 gives the same sequence; the position shown is the placement nearest the transcript's 3' end. VCF-style (leftmost placement, unchanged base first): chr11-72107944-TGGA-T. GRCh37 (hg19) VCF-style: chr11-71818990-TGGA-T.
Other names: c.385_387del (NM_001145308.4); c.283GAG[1], p.Glu96del (NM_001393500.2); c.382GAG[1], p.Glu129del (NM_001145309.4); c.262GAG[1], p.Glu89del (NM_001145310.4); c.*869TCC[1] (NM_001393443.1, NM_001393444.1, NM_001393445.1); c.64-342_64-340del (NM_001393459.1); c.319-342_319-340del (NM_001393430.1, NM_001393429.1, NM_001393428.1 and 3 more transcripts); short protein forms E129del, E89del, E96del.
Identifiers: ClinVar variation 1420763 (VCV001420763.7), dbSNP rs771203723, ClinGen allele CA6168607.

ClinVar aggregate classification (germline): Uncertain significance. Review status: criteria provided, multiple submitters, no conflicts (2 of 4 stars). 2 submissions from 2 submitters: Uncertain significance (2). Last evaluated 2025-12-23.

Submissions (2):

GeneDx
Classification: Uncertain significance. Last evaluated: 2025-12-23. Review status: criteria provided, single submitter. Criteria: GeneDx Variant Classification Process June 2021. Collection method: clinical testing. Allele origin: germline.
Comment: In-frame deletion of 1 amino acid(s) in a non-repeat region; In silico analysis supports a deleterious effect on protein structure/function; Has not been previously published as pathogenic or benign to our knowledge

Labcorp Genetics (formerly Invitae), Labcorp
Classification: Uncertain significance. Last evaluated: 2022-02-03. Review status: criteria provided, single submitter. Criteria: Invitae Variant Classification Sherloc (09022015). Collection method: clinical testing. Allele origin: germline.
Comment: This variant, c.385_387del, results in the deletion of 1 amino acid(s) of the LRTOMT protein (p.Glu129del), but otherwise preserves the integrity of the reading frame. The frequency data for this variant in the population databases is considered unreliable, as metrics indicate poor data quality at this position in the gnomAD database. This variant has not been reported in the literature in individuals affected with LRTOMT-related conditions. Experimental studies and prediction algorithms are not available or were not evaluated, and the functional significance of this variant is currently unknown. In summary, the available evidence is currently insufficient to determine the role of this variant in disease. Therefore, it has been classified as a Variant of Uncertain Significance.